The following is an entry in ClinVar:

NM_015030.2(FRYL):c.6026C>G (p.Ser2009Cys)

Gene: FRYL (FRY like transcription coactivator; minus strand). Cytogenetic location: 4p11.
Variant type: single nucleotide variant.
Coding change: c.6026C>G on transcript NM_015030.2 (MANE Select); coding-DNA position 6026, C replaced by G.
Protein change: p.Ser2009Cys; replaces serine 2009 with cysteine.
Molecular consequence: missense variant.
Genome position (GRCh38, 1-based): chr4:48,540,622, G>C on the plus strand (C>G on the coding strand, the complement: FRYL is on the minus strand). VCF-style: chr4-48540622-G-C. GRCh37 (hg19) VCF-style: chr4-48542639-G-C.
Other names: short protein forms S2009C.
Identifiers: ClinVar variation 4886671 (VCV004886671.2).

ClinVar aggregate classification (germline): Uncertain significance (1 of 4 stars; one submission).

Submission:

Dasa
Classification: Uncertain significance. Last evaluated: 2025-11-13. Review status: criteria provided, single submitter. Criteria: DASA Assertion Criteria. Collection method: clinical testing. Allele origin: germline.
Comment: NM_015030.2(FRYL):c.6026C>G (p.Ser2009Cys) is a missense variant that results in the substitution of serine with cysteine. This variant is absent from population databases. The currently available literature and clinical evidence are not sufficient to establish a definitive association between this variant and the reported condition. Therefore, this variant is classified as a variant of uncertain significance.